The following is an entry in ClinVar:

ClinVar aggregate classification (germline): Pathogenic. Review status: reviewed by expert panel (3 of 4 stars). 4 submissions from 4 submitters: Pathogenic (1). 3 of the submissions do not count toward it. Last evaluated 2024-12-03.

Conditions:
Inborn genetic diseases. Identifiers: MedGen C0950123, MeSH D030342.
Cardiofaciocutaneous syndrome 2 (CFC2). Also called: KRAS-Related Cardiofaciocutaneous Syndrome. Identifiers: Orphanet 1340, MedGen C3809005, MONDO:0014112, OMIM 615278.
RASopathy. Also called: rasopathies; Noonan spectrum disorder. Identifiers: Orphanet 536391, MedGen C5555857, MONDO:0021060.

Submissions (4):

ClinGen RASopathy Variant Curation Expert Panel
Classification: Pathogenic for RASopathy. Last evaluated: 2024-12-03. Review status: reviewed by expert panel. Criteria: ClinGen RASopathy ACMG Specifications KRAS V2.3.0. Collection method: curation. Allele origin: germline. Inheritance: Autosomal dominant inheritance.
Comment: The c.15A>T variant in the KRAS gene is a missense variant predicted to cause substitution of lysine by asparagine at amino acid 5 (p.Lys5Asn). This variant is absent from gnomAD v2.1.1 (PM2_Supporting). The computational predictor REVEL gives a score of 0.764 supporting a deleterious impact to KRAS function (PP3). The variant is located in the KRAS gene, which has been defined by the ClinGen RASopathy Expert Panel as a gene with a low rate of benign missense variants and pathogenic missense variants are common (PP2). This variant has been reported in at least 5 individuals with clinical features of a RASopathy, in 2 confirmed de novo occurrences (PS4, PS2_VeryStrong; PMID: 17056636; Ambry, EGL Genetics, Invitae internal data, ClinVar SCV000742406.3, SCV000202928.7). In vitro functional studies showed that the p.Val14Ile variant enhanced MEK activation (PS3_Supporting; PMID: 20949621). In summary, this variant meets criteria to be classified as pathogenic for autosomal dominant RASopathies based on the ACMG/AMP criteria applied, as specified by the ClinGen RASopathy Variant Curation Expert Panel: PS2_VeryStrong, PS4, PS3_Supporting, PM2_Supporting, PP2, PP3 (Specification Version 2.3, 12/3/2024).

Ambry Genetics
Classification: Likely pathogenic for Inborn genetic diseases. Last evaluated: 2017-05-05. Review status: criteria provided, single submitter. Criteria: Ambry exome assertion method (8-5-2015). Collection method: clinical testing. Allele origin: germline. Affected: yes. Observed: 1 variant allele. Not counted in ClinVar's aggregate classification.

Eurofins Ntd Llc (ga)
Classification: Uncertain significance. Last evaluated: 2014-01-22. Review status: criteria provided, single submitter. Criteria: EGL Classification Definitions 2015. Collection method: clinical testing. Allele origin: germline. Observed: 1 variant allele, 1 heterozygote. Not counted in ClinVar's aggregate classification.

OMIM
Classification: Pathogenic for CARDIOFACIOCUTANEOUS SYNDROME 2. Last evaluated: 2008-05-01. Review status: no assertion criteria provided. Collection method: literature only. Allele origin: germline. Not counted in ClinVar's aggregate classification.

Literature cited by the submitters: PubMed 20949621 (cited by ClinGen RASopathy Variant Curation Expert Panel and Ambry Genetics); PubMed 17056636 (cited by 3 submitters); PubMed 26037647 (cited by Ambry Genetics); PubMed 18386799 (cited by OMIM).

NM_033360.4(KRAS):c.15A>T (p.Lys5Asn)

Gene: KRAS (KRas proto-oncogene, GTPase; minus strand). Cytogenetic location: 12p12.1.
Variant type: single nucleotide variant.
Coding change: c.15A>T on transcript NM_033360.4 (MANE Plus Clinical); coding-DNA position 15, A replaced by T.
Protein change: p.Lys5Asn; replaces lysine 5 with asparagine.
Molecular consequence: missense variant.
Genome position (GRCh38, 1-based): chr12:25,245,370, T>A on the plus strand (A>T on the coding strand, the complement: KRAS is on the minus strand). VCF-style: chr12-25245370-T-A. GRCh37 (hg19) VCF-style: chr12-25398304-T-A.
Other names: NM_004985.4(KRAS):c.15A>T; NM_033360.4(KRAS):c.15A>T; c.15A>T, p.Lys5Asn (LRG_344t2, NM_001369786.1, NM_001369787.1 and 2 more transcripts); short protein forms K5N.
Identifiers: ClinVar variation 12594 (VCV000012594.11), dbSNP rs104894361, ClinGen allele CA234191.
Genomic context (GRCh38, chr12:25,245,370, plus strand): 5'-CTGAATTAGCTGTATCGTCAAGGCACTCTTGCCTACGCCACCAGCTCCAACTACCACAAG[T>A]TTATATTCAGTCATTTTCAGCAGGCCTTATAATAAAAATAATGAAAATGTGACTATATTA-3'
Protein context (NP_203524.1, residues 1-15): MTEY[Lys5Asn]LVVVGAGGVG